The following is an entry in ClinVar:

NM_002471.4(MYH6):c.145G>A (p.Ala49Thr)

Genes: MYH6 (myosin heavy chain 6; minus strand), LOC114827851 (VISTA enhancer hs2155; plus strand). Cytogenetic location: 14q11.2.
Variant type: single nucleotide variant.
Coding change: c.145G>A on transcript NM_002471.4 (MANE Select); coding-DNA position 145, G replaced by A.
Protein change: p.Ala49Thr; replaces alanine 49 with threonine.
Molecular consequence: missense variant.
Genome position (GRCh38, 1-based): chr14:23,407,079, C>T on the plus strand (G>A on the coding strand, the complement: MYH6 is on the minus strand). VCF-style: chr14-23407079-C-T. GRCh37 (hg19) VCF-style: chr14-23876288-C-T.
Other names: short protein forms A49T.
Identifiers: ClinVar variation 1773129 (VCV001773129.2), dbSNP rs2502212707, ClinGen allele CA389031970.
Genomic context (GRCh38, chr14:23,407,079, plus strand): 5'-TCACCTTCCCATTCTCGGTTTCAGCAATGACCTTGCCTCCCTCCCGGGACAAAATCTTGG[C>T]TTTGACAAACTCTTCCTTGTCATCGGGCACGAAGCACTCAGTGCGAATGTCAAAGGGCCG-3'
Protein context (NP_002462.2, residues 39-59): VPDDKEEFVK[Ala49Thr]KILSREGGKV

ClinVar aggregate classification (germline): Uncertain significance (1 of 4 stars; one submission).

Conditions:
Cardiovascular phenotype. Identifiers: MedGen CN230736.

Submission:

Ambry Genetics
Classification: Uncertain significance for Cardiovascular phenotype. Last evaluated: 2022-06-22. Review status: criteria provided, single submitter. Criteria: Ambry Variant Classification Scheme 2023. Collection method: clinical testing. Allele origin: germline.
Comment: The p.A49T variant (also known as c.145G>A), located in coding exon 1 of the MYH6 gene, results from a G to A substitution at nucleotide position 145. The alanine at codon 49 is replaced by threonine, an amino acid with similar properties. This amino acid position is conserved. In addition, the in silico prediction for this alteration is inconclusive. Since supporting evidence is limited at this time, the clinical significance of this alteration remains unclear.